The following is an entry in ClinVar:

ClinVar aggregate classification (germline): Uncertain significance (1 of 4 stars; one submission).

Submission:

Women's Health and Genetics/Laboratory Corporation of America, LabCorp
Classification: Uncertain significance. Last evaluated: 2026-03-04. Review status: criteria provided, single submitter. Criteria: LabCorp Variant Classification Summary - May 2015. Collection method: clinical testing. Allele origin: germline.
Comment: Variant summary: The variant involves the duplication of exons 1-2 in the DOCK8 gene. A presumed nomenclature of c.(?_-113)_(156+1_157-1)dup has been designated for the purposes of this classification. The exact breakpoint at the 5' end of this variant is unknown, therefore this duplication may extend upstream of the annotated region of this gene. It is predicted to duplicate a segment including the initiation codon, therefore its impact on the encoded protein is unknown. The variant was absent in 21692 control chromosomes. The available data on variant occurrences in the general population are insufficient to allow any conclusion about variant significance. To our knowledge, no occurrence of c.(?_-113)_(156+1_157-1)dup in individuals affected with DOCK8-related conditions and no experimental evidence demonstrating its impact on protein function have been reported. ClinVar contains an entry for this variant (Variation ID: 536620). Based on the evidence outlined above, the variant was classified as uncertain significance.

NC_000009.11:g.(?_214864)_(271730_286460)dup

Genes: DOCK8 (dedicator of cytokinesis 8; plus strand), DOCK8-AS1 (DOCK8 antisense RNA 1; minus strand). Cytogenetic location: 9p24.3.
Variant type: Duplication.
Identifiers: ClinVar variation 4847471 (VCV004847471.1).